The following is an entry in ClinVar:

ClinVar aggregate classification (germline): Uncertain significance (1 of 4 stars; one submission).

Submission:

Women's Health and Genetics/Laboratory Corporation of America, LabCorp
Classification: Uncertain significance. Last evaluated: 2026-01-27. Review status: criteria provided, single submitter. Criteria: LabCorp Variant Classification Summary - May 2015. Collection method: clinical testing. Allele origin: germline.
Comment: Variant summary: KMT2C c.12813_12815delAAC (p.Thr4272del) results in an in-frame deletion that is predicted to remove one amino acid from the encoded protein. The variant was absent in 169712 control chromosomes. The available data on variant occurrences in the general population are insufficient to allow any conclusion about variant significance. To our knowledge, no occurrence of c.12813_12815delAAC in individuals affected with KMT2C-related conditions and no experimental evidence demonstrating its impact on protein function have been reported. No submitters have cited clinical-significance assessments for this variant to ClinVar. Based on the evidence outlined above, the variant was classified as uncertain significance.

NM_170606.3(KMT2C):c.12813_12815del (p.Thr4272del)

Gene: KMT2C (lysine methyltransferase 2C; minus strand). Cytogenetic location: 7q36.1.
Variant type: Deletion.
Coding change: c.12813_12815del on transcript NM_170606.3 (MANE Select); coding-DNA positions 12813 to 12815, 3 bases deleted (AAC; older notation c.12813_12815delAAC).
Protein change: p.Thr4272del; deletes threonine 4272.
Molecular consequence: inframe deletion.
Genome position (GRCh38, 1-based): chr7:152,149,112-152,149,114, GTT deleted on the plus strand (AAC on the coding strand, the reverse complement: KMT2C is on the minus strand). VCF-style (leftmost placement, unchanged base first): chr7-152149111-CGTT-C. GRCh37 (hg19) VCF-style: chr7-151846196-CGTT-C.
Other names: c.12813_12815delAAC (NM_170606.3); short protein forms T4272del.
Identifiers: ClinVar variation 4689343 (VCV004689343.1).